The following is an entry in ClinVar:

ClinVar aggregate classification (germline): Uncertain significance (1 of 4 stars; one submission).

Allele frequency attached by ClinVar (database versions not stated): gnomAD exomes below 0.00001; ExAC 0.00002; TOPMed 0.00002; gnomAD 0.00004; ESP Exome Variant Server 0.00008; 1000 Genomes Project 0.00020; 1000 Genomes Project 30x 0.00031.
gnomAD v4.1: 9 of 1,613,996 alleles (0.00056%); highest among the groups gnomAD compares: African/African-American, 0.012%; no homozygotes.

Submission:

Labcorp Genetics (formerly Invitae), Labcorp
Classification: Uncertain significance. Last evaluated: 2022-03-19. Review status: criteria provided, single submitter. Criteria: Invitae Variant Classification Sherloc (09022015). Collection method: clinical testing. Allele origin: germline.
Comment: This sequence change falls in intron 10 of the SMARCD2 gene. It does not directly change the encoded amino acid sequence of the SMARCD2 protein. It affects a nucleotide within the consensus splice site. This variant is present in population databases (rs369996203, gnomAD 0.007%). This variant has not been reported in the literature in individuals affected with SMARCD2-related conditions. Variants that disrupt the consensus splice site are a relatively common cause of aberrant splicing (PMID: 17576681, 9536098). Algorithms developed to predict the effect of sequence changes on RNA splicing suggest that this variant is not likely to affect RNA splicing. In summary, the available evidence is currently insufficient to determine the role of this variant in disease. Therefore, it has been classified as a Variant of Uncertain Significance.

Literature cited by the submitters: PubMed 17576681; PubMed 9536098.

NM_001098426.2(SMARCD2):c.1317+6C>T

Gene: SMARCD2 (SWI/SNF related BAF chromatin remodeling complex subunit D2; minus strand). Cytogenetic location: 17q23.3.
Variant type: single nucleotide variant.
Coding change: c.1317+6C>T on transcript NM_001098426.2 (MANE Select); 6 bases into the intron after coding-DNA position 1317, C replaced by T.
Molecular consequence: intron variant.
Genome position (GRCh38, 1-based): chr17:63,833,581, G>A on the plus strand (C>T on the coding strand, the complement: SMARCD2 is on the minus strand). VCF-style: chr17-63833581-G-A. GRCh37 (hg19) VCF-style: chr17-61910941-G-A.
Other names: c.1092+6C>T (NM_001330439.1); c.1173+6C>T (NM_001330440.2).
Identifiers: ClinVar variation 1972414 (VCV001972414.5), dbSNP rs369996203, ClinGen allele CA8706252.